The following is an entry in ClinVar:

NM_001042492.3(NF1):c.5509G>C (p.Asp1837His)

Gene: NF1 (neurofibromin 1; plus strand). Cytogenetic location: 17q11.2.
Variant type: single nucleotide variant.
Coding change: c.5509G>C on transcript NM_001042492.3 (MANE Select); coding-DNA position 5509, G replaced by C.
Protein change: p.Asp1837His; replaces aspartic acid 1837 with histidine.
Molecular consequence: missense variant.
Genome position (GRCh38, 1-based): chr17:31,327,739, G>C. VCF-style: chr17-31327739-G-C. GRCh37 (hg19) VCF-style: chr17-29654757-G-C.
Other names: c.5446G>C, p.Asp1816His (NM_000267.4); short protein forms D1837H, D1816H.
Identifiers: ClinVar variation 1487905 (VCV001487905.8), dbSNP rs771597781, ClinGen allele CA399009671.

ClinVar aggregate classification (germline): Uncertain significance (1 of 4 stars; one submission).

Conditions:
Neurofibromatosis, type 1 (NF1). Also called: NEUROFIBROMATOSIS, TYPE I, SOMATIC; Neurofibromatosis, type I; VON RECKLINGHAUSEN DISEASE; Peripheral type neurofibromatosis. Identifiers: Orphanet 636, MedGen C0027831, MONDO:0018975, OMIM 162200. Disease mechanism: loss of function.

Submission:

Labcorp Genetics (formerly Invitae), Labcorp
Classification: Uncertain significance for Neurofibromatosis, type 1. Last evaluated: 2021-02-19. Review status: criteria provided, single submitter. Criteria: Invitae Variant Classification Sherloc (09022015). Collection method: clinical testing. Allele origin: germline.
Comment: In summary, the available evidence is currently insufficient to determine the role of this variant in disease. Therefore, it has been classified as a Variant of Uncertain Significance. Advanced modeling of protein sequence and biophysical properties (such as structural, functional, and spatial information, amino acid conservation, physicochemical variation, residue mobility, and thermodynamic stability) performed at Invitae indicates that this missense variant is expected to disrupt NF1 protein function. This variant has not been reported in the literature in individuals with NF1-related conditions. This variant is not present in population databases (ExAC no frequency). This sequence change replaces aspartic acid with histidine at codon 1816 of the NF1 protein (p.Asp1816His). The aspartic acid residue is moderately conserved and there is a moderate physicochemical difference between aspartic acid and histidine.